The following is an entry in ClinVar:

NM_001122681.2(SH3BP2):c.13G>A (p.Glu5Lys)

Gene: SH3BP2 (SH3 domain binding protein 2; plus strand). Cytogenetic location: 4p16.3.
Variant type: single nucleotide variant.
Coding change: c.13G>A on transcript NM_001122681.2 (MANE Select); coding-DNA position 13, G replaced by A.
Protein change: p.Glu5Lys; replaces glutamic acid 5 with lysine.
Molecular consequence: missense variant.
Genome position (GRCh38, 1-based): chr4:2,820,630, G>A. VCF-style: chr4-2820630-G-A. GRCh37 (hg19) VCF-style: chr4-2822357-G-A.
Other names: c.97G>A, p.Glu33Lys (NM_001145855.2); c.184G>A, p.Glu62Lys (NM_001145856.2); c.13G>A, p.Glu5Lys (NM_003023.4); short protein forms E33K, E5K, E62K.
Identifiers: ClinVar variation 2378969 (VCV002378969.5), dbSNP rs750753010, ClinGen allele CA2818881.

ClinVar aggregate classification (germline): Uncertain significance. Review status: criteria provided, multiple submitters, no conflicts (2 of 4 stars). 2 submissions from 2 submitters: Uncertain significance (2). Last evaluated 2025-09-02.

Conditions:
Fibrous dysplasia of jaw (CRBM). Also called: Cherubism. Identifiers: Orphanet 184, MedGen C0008029, MONDO:0007315, OMIM 118400.
Inborn genetic diseases. Identifiers: MedGen C0950123, MeSH D030342.

Allele frequency attached by ClinVar (database versions not stated): TOPMed 0.00003; ExAC 0.00003; gnomAD 0.00001; gnomAD exomes 0.00002.
gnomAD v4.1: 13 of 1,614,072 alleles (0.00081%); highest among the groups gnomAD compares: Admixed American, 0.022%; no homozygotes.

Submissions (2):

Labcorp Genetics (formerly Invitae), Labcorp
Classification: Uncertain significance for Fibrous dysplasia of jaw. Last evaluated: 2025-09-02. Review status: criteria provided, single submitter. Criteria: Invitae Variant Classification Sherloc (09022015). Collection method: clinical testing. Allele origin: germline.
Comment: This sequence change replaces glutamic acid, which is acidic and polar, with lysine, which is basic and polar, at codon 5 of the SH3BP2 protein (p.Glu5Lys). The frequency data for this variant in the population databases is considered unreliable, as metrics indicate poor data quality at this position in the gnomAD database. This variant has not been reported in the literature in individuals affected with SH3BP2-related conditions. ClinVar contains an entry for this variant (Variation ID: 2378969). Invitae Evidence Modeling of protein sequence and biophysical properties (such as structural, functional, and spatial information, amino acid conservation, physicochemical variation, residue mobility, and thermodynamic stability) has been performed for this missense variant. However, the output from this modeling did not meet the statistical confidence thresholds required to predict the impact of this variant on SH3BP2 protein function. In summary, the available evidence is currently insufficient to determine the role of this variant in disease. Therefore, it has been classified as a Variant of Uncertain Significance.

Ambry Genetics
Classification: Uncertain significance for Inborn genetic diseases. Last evaluated: 2021-08-12. Review status: criteria provided, single submitter. Criteria: Ambry Variant Classification Scheme 2023. Collection method: clinical testing. Allele origin: germline.